The following is an entry in ClinVar:

NM_004006.3(DMD):c.3697C>T (p.Gln1233Ter)

Gene: DMD (dystrophin; minus strand). Cytogenetic location: Xp21.1.
Variant type: single nucleotide variant.
Coding change: c.3697C>T on transcript NM_004006.3 (MANE Select); coding-DNA position 3697, C replaced by T.
Protein change: p.Gln1233Ter; replaces glutamine 1233 with a stop codon.
Molecular consequence: nonsense.
Genome position (GRCh38, 1-based): chrX:32,448,545, G>A on the plus strand (C>T on the coding strand, the complement: DMD is on the minus strand). VCF-style: chrX-32448545-G-A. GRCh37 (hg19) VCF-style: chrX-32466662-G-A.
Other names: c.3673C>T, p.Gln1225Ter (NM_000109.4); c.3685C>T, p.Gln1229Ter (NM_004009.3); c.3328C>T, p.Gln1110Ter (NM_004010.3); short protein forms Q1225*, Q1110*, Q1233*, Q1229*.
Identifiers: ClinVar variation 803887 (VCV000803887.8), dbSNP rs1339088514, ClinGen allele CA412662006.
Genomic context (GRCh38, chrX:32,448,545, plus strand): 5'-TAGTGCAGAGCCACTGGTAGTTGGTGGTTAGAGTTTCAAGTTCCTTTTTTAAGGCCTCTT[G>A]TGCTACAGGTGGAGCTTGAGCTATGACACTATTTACAGACTCAGTAAGGAGTTTCACTTT-3'

ClinVar aggregate classification (germline): Pathogenic. Review status: criteria provided, multiple submitters, no conflicts (2 of 4 stars). 3 submissions from 3 submitters: Pathogenic (3). Last evaluated 2021-12-01.

Conditions:
Duchenne muscular dystrophy (DMD). Also called: MUSCULAR DYSTROPHY, PSEUDOHYPERTROPHIC PROGRESSIVE, DUCHENNE TYPE; Duchenne Muscular Dystrophy (DMD). Identifiers: Orphanet 98896, MedGen C0013264, MONDO:0010679, OMIM 310200.

Submissions (3):

Labcorp Genetics (formerly Invitae), Labcorp
Classification: Pathogenic for Duchenne muscular dystrophy. Last evaluated: 2021-12-01. Review status: criteria provided, single submitter. Criteria: Invitae Variant Classification Sherloc (09022015). Collection method: clinical testing. Allele origin: germline.
Comment: This sequence change creates a premature translational stop signal (p.Gln1233*) in the DMD gene. It is expected to result in an absent or disrupted protein product. Loss-of-function variants in DMD are known to be pathogenic (PMID: 16770791, 25007885). This variant is not present in population databases (gnomAD no frequency). This premature translational stop signal has been observed in individual(s) with clinical features of Duchenne muscular dystrophy (PMID: 33644936). ClinVar contains an entry for this variant (Variation ID: 803887). For these reasons, this variant has been classified as Pathogenic.

Mendelics
Classification: Pathogenic for Duchenne muscular dystrophy. Last evaluated: 2019-05-28. Review status: criteria provided, single submitter. Criteria: Mendelics Assertion Criteria 2017. Collection method: clinical testing. Allele origin: unknown.

Genomic Diagnostics Laboratory, National Institute of Medical Genomics
Classification: Pathogenic for Duchenne muscular dystrophy. Review status: criteria provided, single submitter. Criteria: ACMG Guidelines, 2015. Collection method: research. Allele origin: germline. Affected: yes.

Literature cited by the submitters: PubMed 16770791 (cited by Labcorp Genetics (formerly Invitae), Labcorp); PubMed 25007885 (cited by Labcorp Genetics (formerly Invitae), Labcorp); PubMed 33644936 (cited by Labcorp Genetics (formerly Invitae), Labcorp).